The following is an entry in ClinVar:

ClinVar aggregate classification (germline): Uncertain significance (1 of 4 stars; one submission).

gnomAD v4.1: 11 of 1,612,498 alleles (0.00068%); highest among the groups gnomAD compares: East Asian, 0.022%; no homozygotes.

Submission:

Labcorp Genetics (formerly Invitae), Labcorp
Classification: Uncertain significance. Last evaluated: 2025-12-23. Review status: criteria provided, single submitter. Criteria: Invitae Variant Classification Sherloc (09022015). Collection method: clinical testing. Allele origin: germline.
Comment: This sequence change replaces serine, which is neutral and polar, with phenylalanine, which is neutral and non-polar, at codon 580 of the IL6ST protein (p.Ser580Phe). This variant is present in population databases (rs758709221, gnomAD 0.02%). This variant has not been reported in the literature in individuals affected with IL6ST-related conditions. An algorithm developed to predict the effect of missense changes on protein structure and function (PolyPhen-2) suggests that this variant is likely to be disruptive. In summary, the available evidence is currently insufficient to determine the role of this variant in disease. Therefore, it has been classified as a Variant of Uncertain Significance.

NM_002184.4(IL6ST):c.1739C>T (p.Ser580Phe)

Gene: IL6ST (interleukin 6 cytokine family signal transducer; minus strand). Cytogenetic location: 5q11.2.
Variant type: single nucleotide variant.
Coding change: c.1739C>T on transcript NM_002184.4 (MANE Select); coding-DNA position 1739, C replaced by T.
Protein change: p.Ser580Phe; replaces serine 580 with phenylalanine.
Molecular consequence: missense variant. On other transcripts: 3 prime UTR variant (1), non-coding transcript variant (2).
Genome position (GRCh38, 1-based): chr5:55,951,565, G>A on the plus strand (C>T on the coding strand, the complement: IL6ST is on the minus strand). VCF-style: chr5-55951565-G-A. GRCh37 (hg19) VCF-style: chr5-55247393-G-A.
Other names: c.1556C>T, p.Ser519Phe (NM_001190981.2); c.1637C>T, p.Ser546Phe (NM_001364275.2); c.1529C>T, p.Ser510Phe (NM_001364276.2); c.872C>T, p.Ser291Phe (NM_001364277.2); c.836C>T, p.Ser279Phe (NM_001364278.2); c.743C>T, p.Ser248Phe (NM_001364279.2); c.*666C>T (NM_175767.3); short protein forms S580F, S279F, S248F, S291F, S510F, S519F, S546F.
Identifiers: ClinVar variation 4732388 (VCV004732388.1).